The following is an entry in ClinVar:

ClinVar aggregate classification (germline): Benign/Likely benign. Review status: criteria provided, multiple submitters, no conflicts (2 of 4 stars). 5 submissions from 5 submitters: Benign (1); Likely benign (4). Last evaluated 2025-05-12.

Conditions:
Hereditary cancer-predisposing syndrome. Also called: Neoplastic Syndromes, Hereditary; Tumor predisposition; Hereditary Cancer Syndrome; Hereditary neoplastic syndrome. Identifiers: Orphanet 140162, MedGen C0027672, MeSH D009386, MONDO:0015356.
Familial adenomatous polyposis 1 (FAP1). Also called: FAMILIAL ADENOMATOUS POLYPOSIS 1, ATTENUATED; POLYPOSIS, ADENOMATOUS INTESTINAL. Identifiers: MedGen C2713442, MONDO:0021056, OMIM 175100. Disease mechanism: loss of function.

Allele frequency attached by ClinVar (database versions not stated): gnomAD exomes below 0.00001.
gnomAD v4.1: 2 of 1,614,138 alleles (0.00012%); highest among the groups gnomAD compares: African/African-American, 0.0013%; no homozygotes.

Submissions (5):

Color Diagnostics, LLC DBA Color Health
Classification: Likely benign for Hereditary cancer-predisposing syndrome. Last evaluated: 2025-05-12. Review status: criteria provided, single submitter. Criteria: ACMG Guidelines, 2015. Collection method: clinical testing. Allele origin: germline.

Labcorp Genetics (formerly Invitae), Labcorp
Classification: Likely benign for Familial adenomatous polyposis 1. Last evaluated: 2024-09-30. Review status: criteria provided, single submitter. Criteria: Invitae Variant Classification Sherloc (09022015). Collection method: clinical testing. Allele origin: germline.

Myriad Genetics, Inc.
Classification: Benign for Familial adenomatous polyposis 1. Last evaluated: 2024-03-18. Review status: criteria provided, single submitter. Criteria: Myriad Autosomal Dominant, Autosomal Recessive and X-Linked Classification Criteria (2023). Collection method: clinical testing. Allele origin: unknown.
Comment: This variant is considered benign. This variant is a silent/synonymous amino acid change and it is not expected to impact splicing.

Women's Health and Genetics/Laboratory Corporation of America, LabCorp
Classification: Likely benign. Last evaluated: 2022-10-25. Review status: criteria provided, single submitter. Criteria: LabCorp Variant Classification Summary - May 2015. Collection method: clinical testing. Allele origin: germline.

Ambry Genetics
Classification: Likely benign for Hereditary cancer-predisposing syndrome. Last evaluated: 2016-04-21. Review status: criteria provided, single submitter. Criteria: Ambry Variant Classification Scheme 2023. Collection method: clinical testing. Allele origin: germline.

NM_000038.6(APC):c.3045T>C (p.Asp1015=)

Gene: APC (APC regulator of Wnt signaling pathway; plus strand). Cytogenetic location: 5q22.2.
Variant type: single nucleotide variant.
Coding change: c.3045T>C on transcript NM_000038.6 (MANE Select); coding-DNA position 3045, T replaced by C.
Protein change: p.Asp1015=; no amino-acid change (aspartic acid 1015 retained).
Molecular consequence: synonymous variant.
Genome position (GRCh38, 1-based): chr5:112,838,639, T>C. VCF-style: chr5-112838639-T-C. GRCh37 (hg19) VCF-style: chr5-112174336-T-C.
Other names: c.3045T>C, p.Asp1015= (NM_001127510.3, NM_001354895.2); c.2991T>C, p.Asp997= (NM_001127511.3); c.3099T>C, p.Asp1033= (NM_001354896.2); c.3075T>C, p.Asp1025= (NM_001354897.2); c.2970T>C, p.Asp990= (NM_001354898.2); c.2961T>C, p.Asp987= (NM_001354899.2); c.2922T>C, p.Asp974= (NM_001354900.2); c.2868T>C, p.Asp956= (NM_001354901.2); and 5 more.
Identifiers: ClinVar variation 482286 (VCV000482286.16), dbSNP rs1554084657, ClinGen allele CA445963143.